The following is an entry in ClinVar:

NM_000070.3(CAPN3):c.219del (p.Leu74fs)

Gene: CAPN3 (calpain 3; plus strand). Cytogenetic location: 15q15.1.
Variant type: Deletion.
Coding change: c.219del on transcript NM_000070.3 (MANE Select); coding-DNA position 219, one base deleted (T; older notation c.219delT).
Protein change: p.Leu74fs; shifts the reading frame from leucine 74.
Molecular consequence: frameshift variant.
Genome position (GRCh38, 1-based): chr15:42,360,024, T deleted; the last of 2 consecutive T bases (chr15:42,360,023-42,360,024); deleting either gives the same sequence. VCF-style (leftmost placement, unchanged base first): chr15-42360022-GT-G. GRCh37 (hg19) VCF-style: chr15-42652220-GT-G.
Other names: NM_000070.3(CAPN3):c.219del; p.Leu74fs; c.219del, p.Leu74fs (NM_024344.2, NM_173087.2); short protein forms L74fs.
Identifiers: ClinVar variation 1072479 (VCV001072479.8), dbSNP rs2141102673, ClinGen allele CA2499222909.
Genomic context (GRCh38, chr15:42,360,022, plus strand): 5'-ATTATCGGAGTGAAAGAGAAGACATTCGAGCAACTTCACAAGAAATGTCTAGAAAAGAAA[GT>G]TCTTTATGTGGACCCTGAGTTCCCACCGGATGAGACCTCTCTCTTTTATAGCCAGAAGTT-3'

ClinVar aggregate classification (germline): Likely pathogenic. Review status: reviewed by expert panel (3 of 4 stars). 2 submissions from 2 submitters: Likely pathogenic (1). 1 of the submissions does not count toward it. Last evaluated 2025-01-07.

Conditions:
Autosomal recessive limb-girdle muscular dystrophy. Identifiers: Orphanet 102015, MedGen C2931907, MONDO:0015152.
Autosomal recessive limb-girdle muscular dystrophy type 2A (LGMDR1). Also called: LEYDEN-MOEBIUS MUSCULAR DYSTROPHY; MUSCULAR DYSTROPHY, PELVOFEMORAL; Limb-girdle muscular dystrophy, type 2A; Calpainopathy; Muscular dystrophy, limb-girdle, type 2A, Amish. Identifiers: Orphanet 267, MedGen C1869123, MONDO:0009675, OMIM 253600. Disease mechanism: loss of function.

Submissions (2):

ClinGen Limb Girdle Muscular Dystrophy Variant Curation Expert Panel, ClinGen
Classification: Likely pathogenic for Autosomal recessive limb-girdle muscular dystrophy. Last evaluated: 2025-01-07. Review status: reviewed by expert panel. Criteria: ClinGen LGMD VCEP ACMG Specifications CAPN3 V1.0.0. Collection method: curation. Allele origin: germline. Inheritance: Autosomal recessive inheritance.
Comment: The NM_000070.3: c.219del p.(Leu74PhefsTer53) variant in CAPN3 is a frameshift variant predicted to cause a premature stop codon in biologically relevant exon 2/24 leading to nonsense mediated decay in a gene in which loss of function is an established disease mechanism (PVS1). This variant is absent from gnomAD v2.1.1 and v3.1.2 (PM2_Supporting). In summary, this variant meets the criteria to be classified as Likely Pathogenic for autosomal recessive limb girdle muscular dystrophy based on the ACMG/AMP criteria applied, as specified by the ClinGen LGMD VCEP (LGMD VCEP specifications version 1.0.0; 01/07/2025): PVS1, PM2_Supporting.

Labcorp Genetics (formerly Invitae), Labcorp
Classification: Pathogenic for Autosomal recessive limb-girdle muscular dystrophy type 2A. Last evaluated: 2020-06-27. Review status: criteria provided, single submitter. Criteria: Invitae Variant Classification Sherloc (09022015). Collection method: clinical testing. Allele origin: germline. Not counted in ClinVar's aggregate classification.
Comment: This variant is not present in population databases (ExAC no frequency). This sequence change creates a premature translational stop signal (p.Leu74Phefs*53) in the CAPN3 gene. It is expected to result in an absent or disrupted protein product. This variant has not been reported in the literature in individuals with CAPN3-related conditions. For these reasons, this variant has been classified as Pathogenic. Loss-of-function variants in CAPN3 are known to be pathogenic (PMID: 10330340, 15689361).

Literature cited by the submitters: PubMed 10330340 (cited by Labcorp Genetics (formerly Invitae), Labcorp); PubMed 15689361 (cited by Labcorp Genetics (formerly Invitae), Labcorp).